The following is an entry in ClinVar:

NM_033400.3(ZFHX2):c.2134G>A (p.Asp712Asn)

Genes: ZFHX2 (zinc finger homeobox 2; minus strand), THTPA (thiamine triphosphatase; plus strand). Cytogenetic location: 14q11.2.
Variant type: single nucleotide variant.
Coding change: c.2134G>A on transcript NM_033400.3 (MANE Select); coding-DNA position 2134, G replaced by A.
Protein change: p.Asp712Asn; replaces aspartic acid 712 with asparagine.
Molecular consequence: missense variant.
Genome position (GRCh38, 1-based): chr14:23,532,992, C>T on the plus strand (G>A on the coding strand, the complement: ZFHX2 is on the minus strand). VCF-style: chr14-23532992-C-T. GRCh37 (hg19) VCF-style: chr14-24002201-C-T.
Other names: short protein forms D712N.
Identifiers: ClinVar variation 778736 (VCV000778736.7), dbSNP rs61744308, ClinGen allele CA7117080.

ClinVar aggregate classification (germline): Benign. Review status: criteria provided, multiple submitters, no conflicts (2 of 4 stars). 3 submissions from 3 submitters: Benign (2). 1 of the submissions does not count toward it. Last evaluated 2019-12-31.

Conditions:
ZFHX2-related disorder. Also called: ZFHX2-related condition.

Allele frequency attached by ClinVar (database versions not stated): TOPMed 0.02813; 1000 Genomes Project 30x 0.02920; gnomAD 0.02455 and 0.02648; 1000 Genomes Project 0.02796.
gnomAD v4.1: 7,370 of 1,536,112 alleles (0.48%); highest among the groups gnomAD compares: African/African-American, 8.5%; 279 homozygotes.

Submissions (3):

Labcorp Genetics (formerly Invitae), Labcorp
Classification: Benign. Last evaluated: 2019-12-31. Review status: criteria provided, single submitter. Criteria: Invitae Variant Classification Sherloc (09022015). Collection method: clinical testing. Allele origin: germline.

Breakthrough Genomics
Classification: Benign. Review status: criteria provided, single submitter. Criteria: ACMG Guidelines, 2015. Collection method: not provided. Allele origin: germline. Inheritance: Autosomal dominant inheritance. Affected: yes.

PreventionGenetics, part of Exact Sciences
Classification: Benign for ZFHX2-related condition. Last evaluated: 2019-12-06. Review status: no assertion criteria provided. Collection method: clinical testing. Allele origin: germline. Not counted in ClinVar's aggregate classification.
Comment: This variant is classified as benign based on ACMG/AMP sequence variant interpretation guidelines (Richards et al. 2015 PMID: 25741868, with internal and published modifications).